The following is an entry in ClinVar:

ClinVar aggregate classification (germline): Benign/Likely benign. Review status: criteria provided, multiple submitters, no conflicts (2 of 4 stars). 8 submissions from 8 submitters: Benign (5); Likely benign (1). 2 of the submissions do not count toward it. Last evaluated 2026-08-01.

Conditions:
Holoprosencephaly 5 (HPE5). Identifiers: Orphanet 2162, MedGen C1864827, MONDO:0012322, OMIM 609637.

Allele frequency attached by ClinVar (database versions not stated): gnomAD exomes 0.00050; ExAC 0.00119; 1000 Genomes Project 0.00300; gnomAD 0.00306 and 0.00325; 1000 Genomes Project 30x 0.00328; TOPMed 0.00370.
gnomAD v4.1: 894 of 1,495,512 alleles (0.06%); highest among the groups gnomAD compares: African/African-American, 1.1%; 9 homozygotes.

Submissions (8):

CeGaT Center for Human Genetics Tuebingen
Classification: Likely benign. Last evaluated: 2026-08-01. Review status: criteria provided, single submitter. Criteria: CeGaT Center For Human Genetics Tuebingen Variant Classification Criteria Version 2. Collection method: clinical testing. Allele origin: germline. Affected: yes. Observed: 1 variant allele.
Comment: ZIC2: BP4, BP7, BS1

Labcorp Genetics (formerly Invitae), Labcorp
Classification: Benign for Holoprosencephaly 5. Last evaluated: 2025-12-15. Review status: criteria provided, single submitter. Criteria: Invitae Variant Classification Sherloc (09022015). Collection method: clinical testing. Allele origin: germline.

ARUP Laboratories, Molecular Genetics and Genomics, ARUP Laboratories
Classification: Benign for Holoprosencephaly 5. Last evaluated: 2023-08-07. Review status: criteria provided, single submitter. Criteria: ARUP Molecular Germline Variant Investigation Process 2024. Collection method: clinical testing. Allele origin: germline.

GeneDx
Classification: Benign. Last evaluated: 2015-03-03. Review status: criteria provided, single submitter. Criteria: GeneDx Variant Classification Process June 2021. Collection method: clinical testing. Allele origin: germline. Affected: yes.

Breakthrough Genomics
Classification: Benign. Review status: criteria provided, single submitter. Criteria: ACMG Guidelines, 2015. Collection method: not provided. Allele origin: germline. Inheritance: Autosomal dominant inheritance. Affected: yes.

PreventionGenetics, part of Exact Sciences
Classification: Benign. Review status: criteria provided, single submitter. Criteria: ACMG Guidelines, 2015. Collection method: clinical testing. Allele origin: germline.

Clinical Genetics DNA and cytogenetics Diagnostics Lab, Erasmus MC, Erasmus Medical Center
Classification: Likely benign. Review status: no assertion criteria provided. Collection method: clinical testing. Allele origin: germline. Affected: yes. Study: VKGL Data-share Consensus. Not counted in ClinVar's aggregate classification.

Joint Genome Diagnostic Labs from Nijmegen and Maastricht, Radboudumc and MUMC+
Classification: Benign. Review status: no assertion criteria provided. Collection method: clinical testing. Allele origin: germline. Affected: yes. Study: VKGL Data-share Consensus. Not counted in ClinVar's aggregate classification.

NM_007129.5(ZIC2):c.213G>A (p.Pro71=)

Gene: ZIC2 (Zic family zinc finger 2; plus strand). Cytogenetic location: 13q32.3.
Variant type: single nucleotide variant.
Coding change: c.213G>A on transcript NM_007129.5 (MANE Select); coding-DNA position 213, G replaced by A.
Protein change: p.Pro71=; no amino-acid change (proline 71 retained).
Molecular consequence: synonymous variant.
Genome position (GRCh38, 1-based): chr13:99,982,277, G>A. VCF-style: chr13-99982277-G-A. GRCh37 (hg19) VCF-style: chr13-100634531-G-A.
Identifiers: ClinVar variation 260131 (VCV000260131.21), dbSNP rs189469383, ClinGen allele CA7032792.